The following is an entry in ClinVar:

NM_194248.3(OTOF):c.2892G>A (p.Ala964=)

Gene: OTOF (otoferlin; minus strand). Cytogenetic location: 2p23.3.
Variant type: single nucleotide variant.
Coding change: c.2892G>A on transcript NM_194248.3 (MANE Select); coding-DNA position 2892, G replaced by A.
Protein change: p.Ala964=; no amino-acid change (alanine 964 retained).
Molecular consequence: synonymous variant.
Genome position (GRCh38, 1-based): chr2:26,476,013, C>T on the plus strand (G>A on the coding strand, the complement: OTOF is on the minus strand). VCF-style: chr2-26476013-C-T. GRCh37 (hg19) VCF-style: chr2-26698881-C-T.
Other names: c.2892G>A (NM_194248.2); c.2892G>A, p.Ala964= (NM_001287489.2); c.651G>A, p.Ala217= (NM_004802.4, NM_194323.3); c.822G>A, p.Ala274= (NM_194322.3).
Identifiers: ClinVar variation 2867580 (VCV002867580.4), dbSNP rs756565923, ClinGen allele CA1563730.
Genomic context (GRCh38, chr2:26,476,013, plus strand): 5'-AAAGGGGTCTGAGAGTCCGCTGCTGTCGGCGGCAAAGAGGCTGCGGGCCTGGTACATGTG[C>T]GCTCGGAGCTGGAACGCCTGCTTCTCTGTGGGGAAGGGCAGCCTGAGGTTCCAGGATGGG-3'
Protein context (NP_919224.1, residues 954-974): YTKKQAFQLR[Ala964=]HMYQARSLFA

ClinVar aggregate classification (germline): Likely benign. Review status: criteria provided, multiple submitters, no conflicts (2 of 4 stars). 2 submissions from 2 submitters: Likely benign (2). Last evaluated 2025-09-11.

Conditions:
OTOF-related disorder. Also called: OTOF-related condition.

Allele frequency attached by ClinVar (database versions not stated): ExAC 0.00002.
gnomAD v4.1: 8 of 1,612,586 alleles (0.0005%); highest among the groups gnomAD compares: South Asian, 0.0022%; no homozygotes.

Submissions (2):

PreventionGenetics, part of Exact Sciences
Classification: Likely benign for OTOF-related condition. Last evaluated: 2025-09-11. Review status: criteria provided, single submitter. Criteria: ACMG Guidelines, 2015. Collection method: clinical testing. Allele origin: germline.
Comment: This variant is classified as likely benign based on ACMG/AMP sequence variant interpretation guidelines (Richards et al. 2015 PMID: 25741868, with internal and published modifications).

Labcorp Genetics (formerly Invitae), Labcorp
Classification: Likely benign. Last evaluated: 2023-07-19. Review status: criteria provided, single submitter. Criteria: Invitae Variant Classification Sherloc (09022015). Collection method: clinical testing. Allele origin: germline.